The following is an entry in ClinVar:

NM_003803.4(MYOM1):c.1474C>A (p.Gln492Lys)

Gene: MYOM1 (myomesin 1; minus strand). Cytogenetic location: 18p11.31.
Variant type: single nucleotide variant.
Coding change: c.1474C>A on transcript NM_003803.4 (MANE Select); coding-DNA position 1474, C replaced by A.
Protein change: p.Gln492Lys; replaces glutamine 492 with lysine.
Molecular consequence: missense variant.
Genome position (GRCh38, 1-based): chr18:3,164,305, G>T on the plus strand (C>A on the coding strand, the complement: MYOM1 is on the minus strand). VCF-style: chr18-3164305-G-T. GRCh37 (hg19) VCF-style: chr18-3164303-G-T.
Other names: c.1474C>A, p.Gln492Lys (NM_019856.2); short protein forms Q492K.
Identifiers: ClinVar variation 3665499 (VCV003665499.2).

ClinVar aggregate classification (germline): Uncertain significance (1 of 4 stars; one submission).

Conditions:
Hypertrophic cardiomyopathy. Also called: HYPERTROPHIC MYOCARDIOPATHY. Identifiers: Orphanet 217569, MedGen C0007194, MeSH D002312, MONDO:0005045, HP:0001639.

Submission:

Labcorp Genetics (formerly Invitae), Labcorp
Classification: Uncertain significance for Hypertrophic cardiomyopathy. Last evaluated: 2025-01-08. Review status: criteria provided, single submitter. Criteria: Invitae Variant Classification Sherloc (09022015). Collection method: clinical testing. Allele origin: germline.
Comment: This sequence change replaces glutamine, which is neutral and polar, with lysine, which is basic and polar, at codon 492 of the MYOM1 protein (p.Gln492Lys). This variant is not present in population databases (gnomAD no frequency). This variant has not been reported in the literature in individuals affected with MYOM1-related conditions. Invitae Evidence Modeling of protein sequence and biophysical properties (such as structural, functional, and spatial information, amino acid conservation, physicochemical variation, residue mobility, and thermodynamic stability) indicates that this missense variant is not expected to disrupt MYOM1 protein function with a negative predictive value of 80%. In summary, the available evidence is currently insufficient to determine the role of this variant in disease. Therefore, it has been classified as a Variant of Uncertain Significance.